The following is an entry in ClinVar:

ClinVar aggregate classification (germline): Likely benign. Review status: criteria provided, multiple submitters, no conflicts (2 of 4 stars). 3 submissions from 3 submitters: Likely benign (3). Last evaluated 2026-05-01.

Conditions:
FLG-related disorder. Also called: FLG-related disorders; FLG-related condition.

Allele frequency attached by ClinVar (database versions not stated): 1000 Genomes Project 0.00200; 1000 Genomes Project 30x 0.00172; ESP Exome Variant Server 0.00177.
gnomAD v4.1: 840 of 1,613,858 alleles (0.052%); highest among the groups gnomAD compares: African/African-American, 0.68%; 10 homozygotes.

Submissions (3):

CeGaT Center for Human Genetics Tuebingen
Classification: Likely benign. Last evaluated: 2026-05-01. Review status: criteria provided, single submitter. Criteria: CeGaT Center For Human Genetics Tuebingen Variant Classification Criteria Version 2. Collection method: clinical testing. Allele origin: germline. Affected: yes. Observed: 4 variant alleles.
Comment: FLG: BP4, BP7

PreventionGenetics, part of Exact Sciences
Classification: Likely benign for FLG-related condition. Last evaluated: 2025-11-03. Review status: criteria provided, single submitter. Criteria: ACMG Guidelines, 2015. Collection method: clinical testing. Allele origin: germline.
Comment: This variant is classified as likely benign based on ACMG/AMP sequence variant interpretation guidelines (Richards et al. 2015 PMID: 25741868, with internal and published modifications).

Blueprint Genetics
Classification: Likely benign. Last evaluated: 2024-11-11. Review status: criteria provided, single submitter. Criteria: ACMG Guidelines, 2015. Collection method: clinical testing. Allele origin: germline.

NM_002016.2(FLG):c.1632C>T (p.Ser544=)

Genes: CCDST (cervical cancer associated DHX9 suppressive transcript; plus strand), FLG (filaggrin; minus strand). Cytogenetic location: 1q21.3.
Variant type: single nucleotide variant.
Coding change: c.1632C>T on transcript NM_002016.2 (MANE Select); coding-DNA position 1632, C replaced by T.
Protein change: p.Ser544=; no amino-acid change (serine 544 retained).
Molecular consequence: synonymous variant.
Genome position (GRCh38, 1-based): chr1:152,313,254, G>A on the plus strand (C>T on the coding strand, the complement: FLG is on the minus strand). VCF-style: chr1-152313254-G-A. GRCh37 (hg19) VCF-style: chr1-152285730-G-A.
Identifiers: ClinVar variation 2639317 (VCV002639317.26), dbSNP rs137997325, ClinGen allele CA1107546.